The following is an entry in ClinVar:

ClinVar aggregate classification (germline): Pathogenic (1 of 4 stars; one submission).

Conditions:
Acyl-CoA oxidase deficiency. Also called: STRAIGHT-CHAIN ACYL-CoA OXIDASE DEFICIENCY; Pseudoneonatal adrenoleukodystrophy; Peroxisomal acyl-CoA oxidase deficiency. Identifiers: Orphanet 2971, MedGen C1849678, MONDO:0009919, OMIM 264470. Disease mechanism: loss of function.

Submission:

Labcorp Genetics (formerly Invitae), Labcorp
Classification: Pathogenic for Acyl-CoA oxidase deficiency. Last evaluated: 2022-11-02. Review status: criteria provided, single submitter. Criteria: Invitae Variant Classification Sherloc (09022015). Collection method: clinical testing. Allele origin: unknown.
Comment: For these reasons, this variant has been classified as Pathogenic. This variant disrupts a region of the ACOX1 protein in which other variant(s) (Deletion of Exon 13) have been determined to be pathogenic (PMID: 17458872). This suggests that this is a clinically significant region of the protein, and that variants that disrupt it are likely to be disease-causing. This variant has not been reported in the literature in individuals affected with ACOX1-related conditions. This variant is a gross deletion of the genomic region encompassing exon(s) 3-14 of the ACOX1 gene, which includes the termination codon. This deletion extends beyond the assayed region for this gene and therefore may encompass additional genes. While this deletion is not anticipated to lead to nonsense mediated decay, it is expected to alter mRNA translation or result in a truncated protein product.

Literature cited by the submitters: PubMed 17458872.

NC_000017.10:g.(?_73942819)_(73956466_?)del

Gene: ACOX1 (acyl-CoA oxidase 1; minus strand). Cytogenetic location: 17q25.1.
Variant type: Deletion.
Identifiers: ClinVar variation 3243039 (VCV003243039.1).